The following is an entry in ClinVar:

NM_005051.3(QARS1):c.570+5G>A

Gene: QARS1 (glutaminyl-tRNA synthetase 1; minus strand). Cytogenetic location: 3p21.31.
Variant type: single nucleotide variant.
Coding change: c.570+5G>A on transcript NM_005051.3 (MANE Select); 5 bases into the intron after coding-DNA position 570, G replaced by A.
Molecular consequence: intron variant.
Genome position (GRCh38, 1-based): chr3:49,102,414, C>T on the plus strand (G>A on the coding strand, the complement: QARS1 is on the minus strand). VCF-style: chr3-49102414-C-T. GRCh37 (hg19) VCF-style: chr3-49139847-C-T.
Other names: c.537+5G>A (NM_001272073.2).
Identifiers: ClinVar variation 1435829 (VCV001435829.5), dbSNP rs2107108867, ClinGen allele CA2573137156.

ClinVar aggregate classification (germline): Uncertain significance (1 of 4 stars; one submission).

Conditions:
Diffuse cerebral and cerebellar atrophy - intractable seizures - progressive microcephaly syndrome. Also called: Microcephaly, progressive, with seizures and cerebral and cerebellar atrophy. Identifiers: Orphanet 404437, MedGen C4014239, MONDO:0014335, OMIM 615760.

Submission:

Labcorp Genetics (formerly Invitae), Labcorp
Classification: Uncertain significance for Diffuse cerebral and cerebellar atrophy - intractable seizures - progressive microcephaly syndrome. Last evaluated: 2021-04-10. Review status: criteria provided, single submitter. Criteria: Invitae Variant Classification Sherloc (09022015). Collection method: clinical testing. Allele origin: germline.
Comment: This sequence change falls in intron 6 of the QARS gene. It does not directly change the encoded amino acid sequence of the QARS protein. It affects a nucleotide within the consensus splice site of the intron. This variant is not present in population databases (ExAC no frequency). This variant has not been reported in the literature in individuals with QARS-related conditions. Nucleotide substitutions within the consensus splice site are a relatively common cause of aberrant splicing (PMID: 17576681, 9536098). Algorithms developed to predict the effect of sequence changes on RNA splicing suggest that this variant may disrupt the consensus splice site, but this prediction has not been confirmed by published transcriptional studies. In summary, the available evidence is currently insufficient to determine the role of this variant in disease. Therefore, it has been classified as a Variant of Uncertain Significance.

Literature cited by the submitters: PubMed 17576681; PubMed 9536098.